The following is an entry in ClinVar:

ClinVar aggregate classification (germline): Uncertain significance (1 of 4 stars; one submission).

Conditions:
Aicardi-Goutieres syndrome 7 (AGS7). Identifiers: Orphanet 51, MedGen C3888244, MONDO:0014367, OMIM 615846.
Singleton-Merten syndrome 1 (SGMRT1). Also called: Widened medullary cavities of bone, aortic calcification, abnormal dentition, and muscular weakness; Syndrome of widened medullary cavities of the metacarpals and phalanges, aortic calcification and abnormal dentition. Identifiers: Orphanet 85191, MedGen C4225427, MONDO:0024535, OMIM 182250.

Allele frequency attached by ClinVar (database versions not stated): gnomAD exomes below 0.00001; ExAC 0.00001; gnomAD 0.00001.
gnomAD v4.1: 6 of 1,609,290 alleles (0.00037%); highest among the groups gnomAD compares: South Asian, 0.0066%; no homozygotes.

Submission:

Labcorp Genetics (formerly Invitae), Labcorp
Classification: Uncertain significance for Aicardi-Goutieres syndrome 7; Singleton-Merten syndrome 1. Last evaluated: 2022-10-27. Review status: criteria provided, single submitter. Criteria: Invitae Variant Classification Sherloc (09022015). Collection method: clinical testing. Allele origin: germline.
Comment: Algorithms developed to predict the effect of missense changes on protein structure and function (SIFT, PolyPhen-2, Align-GVGD) all suggest that this variant is likely to be tolerated. This sequence change replaces serine, which is neutral and polar, with isoleucine, which is neutral and non-polar, at codon 880 of the IFIH1 protein (p.Ser880Ile). This variant is present in population databases (rs771902342, gnomAD 0.007%). This variant has not been reported in the literature in individuals affected with IFIH1-related conditions. In summary, the available evidence is currently insufficient to determine the role of this variant in disease. Therefore, it has been classified as a Variant of Uncertain Significance.

NM_022168.4(IFIH1):c.2639G>T (p.Ser880Ile)

Gene: IFIH1 (interferon induced with helicase C domain 1; minus strand). Cytogenetic location: 2q24.2.
Variant type: single nucleotide variant.
Coding change: c.2639G>T on transcript NM_022168.4 (MANE Select); coding-DNA position 2639, G replaced by T.
Protein change: p.Ser880Ile; replaces serine 880 with isoleucine.
Molecular consequence: missense variant.
Genome position (GRCh38, 1-based): chr2:162,268,255, C>A on the plus strand (G>T on the coding strand, the complement: IFIH1 is on the minus strand). VCF-style: chr2-162268255-C-A. GRCh37 (hg19) VCF-style: chr2-163124765-C-A.
Other names: short protein forms S880I.
Identifiers: ClinVar variation 2941036 (VCV002941036.3), dbSNP rs771902342, ClinGen allele CA1934107.